The following is an entry in ClinVar:

NM_000324.3(RHAG):c.1108G>A (p.Gly370Arg)

Gene: RHAG (Rh associated glycoprotein; minus strand). Cytogenetic location: 6p12.3.
Variant type: single nucleotide variant.
Coding change: c.1108G>A on transcript NM_000324.3 (MANE Select); coding-DNA position 1108, G replaced by A.
Protein change: p.Gly370Arg; replaces glycine 370 with arginine.
Molecular consequence: missense variant.
Genome position (GRCh38, 1-based): chr6:49,607,180, C>T on the plus strand (G>A on the coding strand, the complement: RHAG is on the minus strand). VCF-style: chr6-49607180-C-T. GRCh37 (hg19) VCF-style: chr6-49574893-C-T.
Other names: short protein forms G370R.
Identifiers: ClinVar variation 2244914 (VCV002244914.3), dbSNP rs751577470, ClinGen allele CA3847724.

ClinVar aggregate classification (germline): Conflicting classifications of pathogenicity. Review status: criteria provided, conflicting classifications (1 of 4 stars). 2 submissions from 2 submitters: Likely pathogenic (1); Uncertain significance (1). Last evaluated 2024-07-09.

Conditions:
Rh-null, regulator type (RHNR). Also called: Rh-null hemolytic anemia, regulator type. Identifiers: MedGen C1849387, OMIM 268150.

Allele frequency attached by ClinVar (database versions not stated): gnomAD exomes below 0.00001; ExAC 0.00001.
gnomAD v4.1: 4 of 1,613,742 alleles (0.00025%); highest among the groups gnomAD compares: Admixed American, 0.0017%; no homozygotes.

Submissions (2):

Women's Health and Genetics/Laboratory Corporation of America, LabCorp
Classification: Likely pathogenic for Rh-null, regulator type. Last evaluated: 2024-07-09. Review status: criteria provided, single submitter. Criteria: LabCorp Variant Classification Summary - May 2015. Collection method: clinical testing. Allele origin: germline.
Comment: Variant summary: RHAG c.1108G>A (p.Gly370Arg) results in a non-conservative amino acid change located in the Ammonium transporter AmtB-like domain (IPR024041) of the encoded protein sequence. Three of five in-silico tools predict a damaging effect of the variant on protein function. The variant allele was found at a frequency of 8e-06 in 250452 control chromosomes. c.1108G>A has been reported in the literature in homozygous individuals affected with Rh-Null, Regulator Type (e.g. dePaulaVendrame_2022). These data indicate that the variant is likely to be associated with disease. To our knowledge, no experimental evidence demonstrating an impact on protein function has been reported. The following publication has been ascertained in the context of this evaluation (PMID: 36093570). ClinVar contains an entry for this variant (Variation ID: 2244914). Based on the evidence outlined above, the variant was classified as likely pathogenic.

Ambry Genetics
Classification: Uncertain significance. Last evaluated: 2021-08-13. Review status: criteria provided, single submitter. Criteria: Ambry Variant Classification Scheme 2023. Collection method: clinical testing. Allele origin: germline.

Literature cited by the submitters: PubMed 36093570 (cited by Women's Health and Genetics/Laboratory Corporation of America, LabCorp).